The following is an entry in ClinVar:

NM_017827.4(SARS2):c.590-5T>A

Gene: SARS2 (seryl-tRNA synthetase 2, mitochondrial; minus strand). Cytogenetic location: 19q13.2.
Variant type: single nucleotide variant.
Coding change: c.590-5T>A on transcript NM_017827.4 (MANE Select); 5 bases into the intron before coding-DNA position 590, T replaced by A.
Molecular consequence: intron variant.
Genome position (GRCh38, 1-based): chr19:38,920,154, A>T on the plus strand (T>A on the coding strand, the complement: SARS2 is on the minus strand). VCF-style: chr19-38920154-A-T. GRCh37 (hg19) VCF-style: chr19-39410794-A-T.
Other names: c.596-5T>A (NM_001145901.2).
Identifiers: ClinVar variation 138958 (VCV000138958.41), dbSNP rs370612303, ClinGen allele CA293128.

ClinVar aggregate classification (germline): Conflicting classifications of pathogenicity. Review status: criteria provided, conflicting classifications (1 of 4 stars). 6 submissions from 6 submitters: Uncertain significance (1); Benign (3). 2 of the submissions do not count toward it. Last evaluated 2026-09-01.

Conditions:
SARS2-related disorder. Also called: SARS2-related condition.
Hyperuricemia, pulmonary hypertension, renal failure, alkalosis syndrome (HUPRAS). Also called: HYPERURICEMIA, PULMONARY HYPERTENSION, RENAL FAILURE, AND ALKALOSIS SYNDROME; HUPRA SYNDROME. Identifiers: Orphanet 363694, MedGen C3151209, MONDO:0013458, OMIM 613845.

Allele frequency attached by ClinVar (database versions not stated): ESP Exome Variant Server 0.00015; gnomAD 0.00035; TOPMed 0.00059; 1000 Genomes Project 0.00220; 1000 Genomes Project 30x 0.00250.
gnomAD v4.1: 1,656 of 1,557,704 alleles (0.11%); highest among the groups gnomAD compares: South Asian, 1.1%; 17 homozygotes.

Submissions (8):

CeGaT Center for Human Genetics Tuebingen
Classification: Benign. Last evaluated: 2026-09-01. Review status: criteria provided, single submitter. Criteria: CeGaT Center For Human Genetics Tuebingen Variant Classification Criteria Version 2. Collection method: clinical testing. Allele origin: germline. Affected: yes. Observed: 5 variant alleles.
Comment: SARS2: BP4, BS1, BS2

Labcorp Genetics (formerly Invitae), Labcorp
Classification: Benign. Last evaluated: 2026-01-24. Review status: criteria provided, single submitter. Criteria: Invitae Variant Classification Sherloc (09022015). Collection method: clinical testing. Allele origin: germline.

Illumina Laboratory Services, Illumina
Classification: Uncertain significance for Hyperuricemia, pulmonary hypertension, renal failure, alkalosis syndrome. Last evaluated: 2018-01-13. Review status: criteria provided, single submitter. Criteria: ICSL Variant Classification Criteria 13 December 2019. Collection method: clinical testing. Allele origin: germline.

GeneDx
Classification: Benign. Last evaluated: 2013-04-12. Review status: criteria provided, single submitter. Criteria: GeneDx Variant Classification (06012015). Collection method: clinical testing. Allele origin: germline. Affected: yes.
Comment: This variant is considered likely benign or benign based on one or more of the following criteria: it is a conservative change, it occurs at a poorly conserved position in the protein, it is predicted to be benign by multiple in silico algorithms, and/or has population frequency not consistent with disease.

PreventionGenetics, part of Exact Sciences
Classification: Benign for SARS2-related condition. Last evaluated: 2019-10-31. Review status: no assertion criteria provided. Collection method: clinical testing. Allele origin: germline. Not counted in ClinVar's aggregate classification.
Comment: This variant is classified as benign based on ACMG/AMP sequence variant interpretation guidelines (Richards et al. 2015 PMID: 25741868, with internal and published modifications).

Mayo Clinic Laboratories, Mayo Clinic
Classification: Benign. Last evaluated: 2017-12-06. Review status: no assertion criteria provided. Collection method: clinical testing. Allele origin: unknown. Not counted in ClinVar's aggregate classification.

Dr. Peter K. Rogan Lab, Western University
No classification provided (evidence only). Condition: Acute myeloid leukemia. Review status: no classification provided. Collection method: in vitro. Allele origin: not applicable. Functional consequence: retained intron. Not counted in ClinVar's aggregate classification.

Dr. Peter K. Rogan Lab, Western University
No classification provided (evidence only). Condition: Uterine corpus endometrial carcinoma. Review status: no classification provided. Collection method: in vitro. Allele origin: not applicable. Functional consequence: retained intron. Not counted in ClinVar's aggregate classification.